The following is an entry in ClinVar:

ClinVar aggregate classification (germline): Uncertain significance (1 of 4 stars; one submission).

gnomAD v4.1: 1 of 1,613,928 alleles (0.000062%); highest among the groups gnomAD compares: Non-Finnish European, 0.000085%; no homozygotes.

Submission:

GeneDx
Classification: Uncertain significance. Last evaluated: 2026-03-14. Review status: criteria provided, single submitter. Criteria: GeneDx Variant Classification Process June 2021. Collection method: clinical testing. Allele origin: germline.
Comment: In silico analysis supports that this missense variant has a deleterious effect on protein structure/function; Has not been previously published as pathogenic or benign to our knowledge

NM_005273.4(GNB2):c.235C>G (p.Leu79Val)

Gene: GNB2 (G protein subunit beta 2; plus strand). Cytogenetic location: 7q22.1.
Variant type: single nucleotide variant.
Coding change: c.235C>G on transcript NM_005273.4 (MANE Select); coding-DNA position 235, C replaced by G.
Protein change: p.Leu79Val; replaces leucine 79 with valine.
Molecular consequence: missense variant.
Genome position (GRCh38, 1-based): chr7:100,677,383, C>G. VCF-style: chr7-100677383-C-G. GRCh37 (hg19) VCF-style: chr7-100275006-C-G.
Other names: short protein forms L79V.
Identifiers: ClinVar variation 5008108 (VCV005008108.1).